The following is an entry in ClinVar:

ClinVar aggregate classification (germline): Uncertain significance (1 of 4 stars; one submission).

Conditions:
Congenital contractural arachnodactyly (CCA). Also called: BEALS SYNDROME; Arthrogryposis, distal, type 9; Beals-Hecht syndrome. Identifiers: Orphanet 115, MedGen C0220668, MONDO:0007363, OMIM 121050.

gnomAD v4.1: 1 of 1,610,208 alleles (0.000062%); highest among the groups gnomAD compares: Non-Finnish European, 0.000085%; no homozygotes.

Submission:

Labcorp Genetics (formerly Invitae), Labcorp
Classification: Uncertain significance for Congenital contractural arachnodactyly. Last evaluated: 2026-01-06. Review status: criteria provided, single submitter. Criteria: Invitae Variant Classification Sherloc (09022015). Collection method: clinical testing. Allele origin: germline.
Comment: This sequence change replaces isoleucine, which is neutral and non-polar, with valine, which is neutral and non-polar, at codon 1794 of the FBN2 protein (p.Ile1794Val). This variant is not present in population databases (gnomAD no frequency). This variant has not been reported in the literature in individuals affected with FBN2-related conditions. Invitae Evidence Modeling of protein sequence and biophysical properties (such as structural, functional, and spatial information, amino acid conservation, physicochemical variation, residue mobility, and thermodynamic stability) indicates that this missense variant is not expected to disrupt FBN2 protein function with a negative predictive value of 80%. In summary, the available evidence is currently insufficient to determine the role of this variant in disease. Therefore, it has been classified as a Variant of Uncertain Significance.

NM_001999.4(FBN2):c.5380A>G (p.Ile1794Val)

Gene: FBN2 (fibrillin 2; minus strand). Cytogenetic location: 5q23.3.
Variant type: single nucleotide variant.
Coding change: c.5380A>G on transcript NM_001999.4 (MANE Select); coding-DNA position 5380, A replaced by G.
Protein change: p.Ile1794Val; replaces isoleucine 1794 with valine.
Molecular consequence: missense variant.
Genome position (GRCh38, 1-based): chr5:128,307,177, T>C on the plus strand (A>G on the coding strand, the complement: FBN2 is on the minus strand). VCF-style: chr5-128307177-T-C. GRCh37 (hg19) VCF-style: chr5-127642869-T-C.
Other names: short protein forms I1794V.
Identifiers: ClinVar variation 4741672 (VCV004741672.1).